The following is an entry in ClinVar:

NM_000363.5(TNNI3):c.307C>T (p.Arg103Cys)

Gene: TNNI3 (troponin I3, cardiac type; minus strand). Cytogenetic location: 19q13.42.
Variant type: single nucleotide variant.
Coding change: c.307C>T on transcript NM_000363.5 (MANE Select); coding-DNA position 307, C replaced by T.
Protein change: p.Arg103Cys; replaces arginine 103 with cysteine.
Molecular consequence: missense variant.
Genome position (GRCh38, 1-based): chr19:55,154,806, G>A on the plus strand (C>T on the coding strand, the complement: TNNI3 is on the minus strand). VCF-style: chr19-55154806-G-A. GRCh37 (hg19) VCF-style: chr19-55666174-G-A.
Other names: short protein forms R103C.
Identifiers: ClinVar variation 43374 (VCV000043374.20), dbSNP rs397516344, ClinGen allele CA021492.

ClinVar aggregate classification (germline): Uncertain significance. Review status: criteria provided, multiple submitters, no conflicts (2 of 4 stars). 7 submissions from 7 submitters: Uncertain significance (7). Last evaluated 2025-09-10.

Conditions:
Cardiovascular phenotype. Identifiers: MedGen CN230736.
Cardiomyopathy (CMYO). Also called: Cardiomyopathies. Identifiers: Orphanet 167848, MedGen C0878544, MONDO:0004994, HP:0001638. Inheritance: Various modes of inheritance.
Primary familial hypertrophic cardiomyopathy (HCM). Identifiers: Orphanet 99739, MedGen C0949658, MeSH D024741, MONDO:0024573. Inheritance: Various modes of inheritance.
Hypertrophic cardiomyopathy. Also called: HYPERTROPHIC MYOCARDIOPATHY. Identifiers: Orphanet 217569, MedGen C0007194, MeSH D002312, MONDO:0005045, HP:0001639.

Allele frequency attached by ClinVar (database versions not stated): gnomAD exomes below 0.00001; gnomAD 0.00001; TOPMed 0.00002.

Submissions (7):

Color Diagnostics, LLC DBA Color Health
Classification: Uncertain significance for Cardiomyopathy. Last evaluated: 2025-09-10. Review status: criteria provided, single submitter. Criteria: ACMG Guidelines, 2015. Collection method: clinical testing. Allele origin: germline.
Comment: This missense variant replaces arginine with cysteine at codon 103 of the TNNI3 protein. Computational prediction suggests that this variant may not impact protein structure and function. To our knowledge, functional studies have not been reported for this variant. This variant has been reported in three individuals affected with hypertrophic cardiomyopathy (PMID: 31568572, 32815737, 40617375). Two of these individuals carried a pathogenic variant in different genes that could explain the observed phenotype (PMID:31568572). This variant has also been reported in an individual affected with left ventricular noncompaction (PMID: 28798025). This variant has been identified in 2/280856 chromosomes in the general population by the Genome Aggregation Database (gnomAD). The available evidence is insufficient to determine the role of this variant in disease conclusively. Therefore, this variant is classified as a Variant of Uncertain Significance.

Ambry Genetics
Classification: Uncertain significance for Cardiovascular phenotype. Last evaluated: 2025-08-27. Review status: criteria provided, single submitter. Criteria: Ambry Variant Classification Scheme 2023. Collection method: clinical testing. Allele origin: germline.
Comment: The p.R103C variant (also known as c.307C>T), located in coding exon 6 of the TNNI3 gene, results from a C to T substitution at nucleotide position 307. The arginine at codon 103 is replaced by cysteine, an amino acid with highly dissimilar properties. This variant was reported in individual(s) with features consistent with left ventricular non-compaction (LVNC) and hypertrophic cardiomyopathy (Miszalski-Jamka K et al. Circ Cardiovasc Genet. 2017 Aug;10(4); Pua CJ et al. Circ Genom Precis Med. 2020 Oct;13(5):424-434). This variant also co-occurred with a variant in the MYH7 gene in an individual from a pediatric hypertrophic cardiomyopathy cohort (K&uuml;hnisch J et al. Clin Genet. 2019 Dec;96(6):549-559). This amino acid position is not well conserved in available vertebrate species. In addition, the in silico prediction for this alteration is inconclusive. Based on the available evidence, the clinical significance of this variant remains unclear.

All of Us Research Program, National Institutes of Health
Classification: Uncertain significance for Hypertrophic cardiomyopathy. Last evaluated: 2023-07-10. Review status: criteria provided, single submitter. Criteria: ACMG Guidelines, 2015. Collection method: clinical testing. Allele origin: germline. Inheritance: Autosomal dominant inheritance. Observed: 2 variant alleles, 2 heterozygotes.
Comment: This missense variant replaces arginine with cysteine at codon 103 of the TNNI3 protein. Computational prediction suggests that this variant may not impact protein structure and function (internally defined REVEL score threshold <= 0.5, PMID: 27666373). To our knowledge, functional studies have not been reported for this variant. This variant has been reported in two individuals affected with hypertrophic cardiomyopathy (PMID: 31568572, 32815737). One of these individuals also carried a pathogenic variant in the MYH7 gene (PMID:31568572). This variant has also been reported in an individual affected with left ventricular noncompaction (PMID: 28798025). This variant has been identified in 2/280856 chromosomes in the general population by the Genome Aggregation Database (gnomAD). The available evidence is insufficient to determine the role of this variant in disease conclusively. Therefore, this variant is classified as a Variant of Uncertain Significance.

This study involves interpretation of variants in research participants for the purpose of population health screening. Participant phenotype was not available at the time of variant classification. Additional details can be found in publication PMID: 35346344, PMCID: PMC8962531

AiLife Diagnostics
Classification: Uncertain significance. Last evaluated: 2021-08-18. Review status: criteria provided, single submitter. Criteria: ACMG Guidelines, 2015. Collection method: clinical testing. Allele origin: germline. Affected: yes. Observed: 1 variant allele.

Labcorp Genetics (formerly Invitae), Labcorp
Classification: Uncertain significance for Hypertrophic cardiomyopathy. Last evaluated: 2020-12-12. Review status: criteria provided, single submitter. Criteria: Invitae Variant Classification Sherloc (09022015). Collection method: clinical testing. Allele origin: germline.
Comment: This sequence change replaces arginine with cysteine at codon 103 of the TNNI3 protein (p.Arg103Cys). The arginine residue is highly conserved and there is a large physicochemical difference between arginine and cysteine. In summary, the available evidence is currently insufficient to determine the role of this variant in disease. Therefore, it has been classified as a Variant of Uncertain Significance. Algorithms developed to predict the effect of missense changes on protein structure and function are either unavailable or do not agree on the potential impact of this missense change (SIFT: "Deleterious"; PolyPhen-2: "Possibly Damaging"; Align-GVGD: "Class C0"). This variant has been observed in individual(s) with TNNI3-related conditions (PMID: 28798025, 31568572). ClinVar contains an entry for this variant (Variation ID: 43374). This variant is not present in population databases (ExAC no frequency).

Klaassen Lab, Charite University Medicine Berlin
Classification: Uncertain significance for Primary familial hypertrophic cardiomyopathy. Last evaluated: 2019-07-03. Review status: criteria provided, single submitter. Criteria: ACMG Guidelines, 2015. Collection method: research. Allele origin: germline. Affected: yes.

Laboratory for Molecular Medicine, Mass General Brigham Personalized Medicine
Classification: Uncertain significance. Last evaluated: 2015-03-16. Review status: criteria provided, single submitter. Criteria: LMM Criteria. Collection method: clinical testing. Allele origin: germline. Observed: 1 variant allele.
Comment: proposed classification - variant undergoing re-assessment, contact laboratory

Literature cited by the submitters: PubMed 28798025 (cited by 5 submitters); PubMed 31568572 (cited by 5 submitters); PubMed 32815737 (cited by 3 submitters); PubMed 40617375 (cited by Color Diagnostics, LLC DBA Color Health); PubMed 31333075 (cited by Klaassen Lab, Charite University Medicine Berlin).